The following is an entry in ClinVar:

ClinVar aggregate classification (germline): Uncertain significance. Review status: criteria provided, multiple submitters, no conflicts (2 of 4 stars). 2 submissions from 2 submitters: Uncertain significance (2). Last evaluated 2024-09-29.

Conditions:
Arrhythmogenic right ventricular dysplasia 11. Also called: ARRHYTHMOGENIC RIGHT VENTRICULAR DYSPLASIA, FAMILIAL, 11; Arrhythmogenic Right Ventricular Dysplasia/Cardiomyopathy11; Arrhythmogenic right ventricular dysplasia 11 with mild palmoplantar keratoderma and woolly hair. Identifiers: MedGen C1864850, MONDO:0012506, OMIM 610476.

Submissions (2):

Labcorp Genetics (formerly Invitae), Labcorp
Classification: Uncertain significance for Arrhythmogenic right ventricular dysplasia 11. Last evaluated: 2024-09-29. Review status: criteria provided, single submitter. Criteria: Invitae Variant Classification Sherloc (09022015). Collection method: clinical testing. Allele origin: germline.
Comment: This sequence change replaces leucine, which is neutral and non-polar, with phenylalanine, which is neutral and non-polar, at codon 18 of the DSC2 protein (p.Leu18Phe). This variant is not present in population databases (gnomAD no frequency). This variant has not been reported in the literature in individuals affected with DSC2-related conditions. Invitae Evidence Modeling of protein sequence and biophysical properties (such as structural, functional, and spatial information, amino acid conservation, physicochemical variation, residue mobility, and thermodynamic stability) indicates that this missense variant is not expected to disrupt DSC2 protein function with a negative predictive value of 80%. In summary, the available evidence is currently insufficient to determine the role of this variant in disease. Therefore, it has been classified as a Variant of Uncertain Significance.

GeneDx
Classification: Uncertain significance. Last evaluated: 2024-04-12. Review status: criteria provided, single submitter. Criteria: GeneDx Variant Classification Process June 2021. Collection method: clinical testing. Allele origin: germline. Affected: yes.
Comment: Has not been previously published as pathogenic or benign to our knowledge; Not observed at significant frequency in large population cohorts (gnomAD); In silico analysis indicates that this missense variant does not alter protein structure/function

NM_024422.6(DSC2):c.52C>T (p.Leu18Phe)

Genes: DSC2 (desmocollin 2; minus strand), DSCAS (DSC1/DSC2 antisense RNA; plus strand). Cytogenetic location: 18q12.1.
Variant type: single nucleotide variant.
Coding change: c.52C>T on transcript NM_024422.6 (MANE Select); coding-DNA position 52, C replaced by T.
Protein change: p.Leu18Phe; replaces leucine 18 with phenylalanine.
Molecular consequence: missense variant.
Genome position (GRCh38, 1-based): chr18:31,101,920, G>A on the plus strand (C>T on the coding strand, the complement: DSC2 is on the minus strand). VCF-style: chr18-31101920-G-A. GRCh37 (hg19) VCF-style: chr18-28681883-G-A.
Other names: c.52C>T, p.Leu18Phe (NM_004949.5); short protein forms L18F.
Identifiers: ClinVar variation 3372338 (VCV003372338.3).